The following is an entry in ClinVar:

ClinVar aggregate classification (germline): Uncertain significance (1 of 4 stars; one submission).

Conditions:
Melnick-Needles syndrome (MNS). Also called: MELNICK-NEEDLES OSTEODYSPLASTY; OSTEODYSPLASTY OF MELNICK AND NEEDLES; Melnick-Needles Syndrome (FLNA-MNS). Identifiers: Orphanet 2484, MedGen C0025237, MONDO:0010650, OMIM 309350.
Frontometaphyseal dysplasia (FMD1). Identifiers: Orphanet 1826, MedGen C0265293, MONDO:0015942.
Heterotopia, periventricular, X-linked dominant (PVNH1). Also called: PERIVENTRICULAR NODULAR HETEROTOPIA 1; X-linked periventricular heterotopia; PERIVENTRICULAR NODULAR HETEROTOPIA 4; HETEROTOPIA, PERIVENTRICULAR, 1. Identifiers: Orphanet 2149, Orphanet 82004, MedGen C1848213, MONDO:0010233, OMIM 300049.
Oto-palato-digital syndrome, type II (OPD2). Also called: FACIOPALATOOSSEOUS SYNDROME; OPD II SYNDROME; Otopalatodigital Syndrome, Type II; Otopalatodigital Syndrome Type 2 (FLNA-OPD2). Identifiers: Orphanet 669, Orphanet 90652, MedGen C1844696, MONDO:0010571, OMIM 304120.

Submission:

Labcorp Genetics (formerly Invitae), Labcorp
Classification: Uncertain significance for Oto-palato-digital syndrome, type II; Heterotopia, periventricular, X-linked dominant; Frontometaphyseal dysplasia; Melnick-Needles syndrome. Last evaluated: 2024-02-02. Review status: criteria provided, single submitter. Criteria: Invitae Variant Classification Sherloc (09022015). Collection method: clinical testing. Allele origin: germline.
Comment: This sequence change replaces leucine, which is neutral and non-polar, with valine, which is neutral and non-polar, at codon 2519 of the FLNA protein (p.Leu2519Val). This variant is not present in population databases (gnomAD no frequency). This variant has not been reported in the literature in individuals affected with FLNA-related conditions. Advanced modeling of protein sequence and biophysical properties (such as structural, functional, and spatial information, amino acid conservation, physicochemical variation, residue mobility, and thermodynamic stability) performed at Invitae indicates that this missense variant is not expected to disrupt FLNA protein function with a negative predictive value of 95%. In summary, the available evidence is currently insufficient to determine the role of this variant in disease. Therefore, it has been classified as a Variant of Uncertain Significance.

NM_001110556.2(FLNA):c.7579C>G (p.Leu2527Val)

Genes: FLNA (filamin A; minus strand), LOC107988032 (Xq28 proximal FLNA-EMD recombination region; plus strand). Cytogenetic location: Xq28.
Variant type: single nucleotide variant.
Coding change: c.7579C>G on transcript NM_001110556.2 (MANE Select); coding-DNA position 7579, C replaced by G.
Protein change: p.Leu2527Val; replaces leucine 2527 with valine.
Molecular consequence: missense variant.
Genome position (GRCh38, 1-based): chrX:154,349,539, G>C on the plus strand (C>G on the coding strand, the complement: FLNA is on the minus strand). VCF-style: chrX-154349539-G-C. GRCh37 (hg19) VCF-style: chrX-153577907-G-C.
Other names: c.7555C>G, p.Leu2519Val (NM_001456.4); short protein forms L2519V, L2527V.
Identifiers: ClinVar variation 3753967 (VCV003753967.2).